The following is an entry in ClinVar:

NM_000380.4(XPA):c.323G>T (p.Cys108Phe)

Gene: XPA (XPA, DNA damage recognition and repair factor; minus strand). Cytogenetic location: 9q22.33.
Variant type: single nucleotide variant.
Coding change: c.323G>T on transcript NM_000380.4 (MANE Select); coding-DNA position 323, G replaced by T.
Protein change: p.Cys108Phe; replaces cysteine 108 with phenylalanine.
Molecular consequence: missense variant. On other transcripts: non-coding transcript variant (2).
Genome position (GRCh38, 1-based): chr9:97,689,600, C>A on the plus strand (G>T on the coding strand, the complement: XPA is on the minus strand). VCF-style: chr9-97689600-C-A. GRCh37 (hg19) VCF-style: chr9-100451882-C-A.
Other names: c.197G>T, p.Cys66Phe (NM_001354975.2); short protein forms C108F, C66F.
Identifiers: ClinVar variation 993 (VCV000000993.7), dbSNP rs104894131, ClinGen allele CA251648.

ClinVar aggregate classification (germline): Likely pathogenic. Review status: criteria provided, multiple submitters, no conflicts (2 of 4 stars). 5 submissions from 5 submitters: Likely pathogenic (3). 2 of the submissions do not count toward it. Last evaluated 2025-04-29.

Conditions:
Xeroderma pigmentosum group A (XPA). Also called: Xeroderma pigmentosum, complementation group A; XP, group A; XPA-Related Xeroderma Pigmentosum. Identifiers: Orphanet 910, MedGen C0268135, MONDO:0010210, OMIM 278700.
Xeroderma pigmentosum (XP). Identifiers: Orphanet 910, MedGen C0043346, MONDO:0019600.

Allele frequency attached by ClinVar (database versions not stated): gnomAD exomes below 0.00001.
gnomAD v4.1: 2 of 1,612,820 alleles (0.00012%); highest among the groups gnomAD compares: Non-Finnish European, 0.00017%; no homozygotes.

Submissions (5):

Myriad Genetics, Inc.
Classification: Likely pathogenic for Xeroderma pigmentosum group A. Last evaluated: 2025-04-29. Review status: criteria provided, single submitter. Criteria: Myriad Autosomal Dominant, Autosomal Recessive and X-Linked Classification Criteria (2023). Collection method: clinical testing. Allele origin: unknown.
Comment: NM_000380.3(XPA):c.323G>T(C108F) is a missense variant classified as likely pathogenic in the context of xeroderma pigmentosum group A. C108F has been observed in a case with relevant disease (PMID: 1339397). Relevant functional assessments of this variant are available in the literature (PMID: 1339397, 36893274). C108F has not been observed in referenced population frequency databases. In summary, NM_000380.3(XPA):c.323G>T(C108F) is a missense variant that has functional support for pathogenicity and has been observed more frequently in cases with the relevant disease than in healthy populations. Please note: this variant was assessed in the context of healthy population screening.

Women's Health and Genetics/Laboratory Corporation of America, LabCorp
Classification: Likely pathogenic for Xeroderma pigmentosum. Last evaluated: 2024-11-29. Review status: criteria provided, single submitter. Criteria: LabCorp Variant Classification Summary - May 2015. Collection method: clinical testing. Allele origin: germline.
Comment: Variant summary: XPA c.323G>T (p.Cys108Phe) results in a non-conservative amino acid change in the encoded protein sequence. Five of five in-silico tools predict a damaging effect of the variant on protein function. The variant allele was found at a frequency of 4e-06 in 250364 control chromosomes. c.323G>T has been reported in the literature in the compound heterozygous state in at least one individual affected with Xeroderma Pigmentosum (Satokata_1992). Multiple publications report experimental evidence evaluating an impact on protein function. The most pronounced variant effect results in absent activity (Miura_1999, Van Den Heuvel_2023, Satokata_1992). The following publications have been ascertained in the context of this evaluation (PMID: 10408173, 1339397, 36893274). ClinVar contains an entry for this variant (Variation ID: 993). Based on the evidence outlined above, the variant was classified as likely pathogenic.

Baylor Genetics
Classification: Likely pathogenic for Xeroderma pigmentosum group A. Last evaluated: 2023-05-30. Review status: criteria provided, single submitter. Criteria: ACMG Guidelines, 2015. Collection method: clinical testing. Allele origin: unknown.

Counsyl
Classification: Uncertain significance for Xeroderma pigmentosum group A. Last evaluated: 2017-08-01. Review status: no assertion criteria provided. Collection method: clinical testing. Allele origin: unknown. Not counted in ClinVar's aggregate classification.

OMIM
Classification: Pathogenic for XERODERMA PIGMENTOSUM, COMPLEMENTATION GROUP A. Last evaluated: 1992-03-01. Review status: no assertion criteria provided. Collection method: literature only. Allele origin: germline. Not counted in ClinVar's aggregate classification.

Literature cited by the submitters: PubMed 1339397 (cited by 4 submitters); PubMed 36893274 (cited by Myriad Genetics, Inc. and Women's Health and Genetics/Laboratory Corporation of America, LabCorp); PubMed 10408173 (cited by Women's Health and Genetics/Laboratory Corporation of America, LabCorp); PubMed 9671271 (cited by Counsyl); PubMed 24704021 (cited by Counsyl); PubMed 24063568 (cited by Counsyl).